The following is an entry in ClinVar:

ClinVar aggregate classification (germline): Uncertain significance. Review status: criteria provided, multiple submitters, no conflicts (2 of 4 stars). 2 submissions from 2 submitters: Uncertain significance (2). Last evaluated 2026-02-23.

Submissions (2):

Women's Health and Genetics/Laboratory Corporation of America, LabCorp
Classification: Uncertain significance. Last evaluated: 2026-02-23. Review status: criteria provided, single submitter. Criteria: LabCorp Variant Classification Summary - May 2015. Collection method: clinical testing. Allele origin: germline.
Comment: Variant summary: RNU7-1 n.44_45delinsTA alters a nucleotide in the non-coding RNA. The variant allele is a multinuceltoide combination of 12-7053022-C-T and 12-7053023-T-A and based on the frequency of the least prevalent allele, it can be estimated that the frequency does not exceed 0.00038 in 31400 control chromosomes. This frequency is not significantly higher than estimated for disease-causing variants in RNU7-1, allowing no conclusion about variant significance. To our knowledge, no occurrence of n.44_45delinsTA in individuals affected with RNU7-1-related conditions and no experimental evidence demonstrating its impact on protein function have been reported. ClinVar contains an entry for this variant (Variation ID: 3380086). Based on the evidence outlined above, the variant was classified as uncertain significance.

Mayo Clinic Laboratories, Mayo Clinic
Classification: Uncertain significance. Last evaluated: 2024-07-24. Review status: criteria provided, single submitter. Criteria: ACMG Guidelines, 2015. Collection method: clinical testing. Allele origin: germline. Observed: 2 variant alleles.
Comment: BS1

NR_023317.1(RNU7-1):n.44_45delinsTA

Genes: C12orf57 (chromosome 12 open reading frame 57; plus strand), RNU7-1 (RNA, U7 small nuclear 1; plus strand). Cytogenetic location: 12p13.31.
Variant type: Indel.
Molecular consequence: non-coding transcript variant (on NR_023317.1). On other transcripts: intron variant (2).
Genome position: GRCh38 VCF-style: chr12-6943859-CT-TA. GRCh37 (hg19) VCF-style: chr12-7053022-CT-TA.
Other names: p.?; c.13+197_13+198delinsTA (NM_001301836.2); c.-16+197_-16+198delinsTA (NM_001301834.1).
Identifiers: ClinVar variation 3380086 (VCV003380086.2).
Genomic context (GRCh38, chr12:6,943,859, plus strand): 5'-TCCAAACACATACGCAGCAGTGTTACAGCTCTTTTAGAATTTGTCTAGTAGGCTTTCTGG[CT>TA]TTTTACCGGAAAGCCCCTCTTATGATGTTTGTTGCCAATGATAGATTGTTTTCACTGTGC-3'